The following is an entry in ClinVar:

NM_017841.4(SDHAF2):c.317A>T (p.Asp106Val)

Gene: SDHAF2 (succinate dehydrogenase complex assembly factor 2; plus strand). Cytogenetic location: 11q12.2.
Variant type: single nucleotide variant.
Coding change: c.317A>T on transcript NM_017841.4 (MANE Select); coding-DNA position 317, A replaced by T.
Protein change: p.Asp106Val; replaces aspartic acid 106 with valine.
Molecular consequence: missense variant.
Genome position (GRCh38, 1-based): chr11:61,438,060, A>T. VCF-style: chr11-61438060-A-T. GRCh37 (hg19) VCF-style: chr11-61205532-A-T.
Other names: short protein forms D106V.
Identifiers: ClinVar variation 3227054 (VCV003227054.1), dbSNP rs1180336758, ClinGen allele CA380684139.

ClinVar aggregate classification (germline): Uncertain significance (1 of 4 stars; one submission).

Conditions:
Hereditary cancer-predisposing syndrome. Also called: Neoplastic Syndromes, Hereditary; Tumor predisposition; Hereditary neoplastic syndrome; Hereditary Cancer Syndrome. Identifiers: Orphanet 140162, MedGen C0027672, MeSH D009386, MONDO:0015356.

Allele frequency attached by ClinVar (database versions not stated): gnomAD 0.00001.
gnomAD v4.1: 1 of 1,614,004 alleles (0.000062%); highest among the groups gnomAD compares: African/African-American, 0.0013%; no homozygotes.

Submission:

Ambry Genetics
Classification: Uncertain significance for Hereditary cancer-predisposing syndrome. Last evaluated: 2024-01-09. Review status: criteria provided, single submitter. Criteria: Ambry Variant Classification Scheme 2023. Collection method: clinical testing. Allele origin: germline.
Comment: The p.D106V variant (also known as c.317A>T), located in coding exon 3 of the SDHAF2 gene, results from an A to T substitution at nucleotide position 317. The aspartic acid at codon 106 is replaced by valine, an amino acid with highly dissimilar properties. This amino acid position is conserved. In addition, this alteration is predicted to be deleterious by in silico analysis. Since supporting evidence is limited at this time, the clinical significance of this alteration remains unclear.